The following is an entry in ClinVar:

NM_015693.4(INTU):c.2357A>G (p.Tyr786Cys)

Genes: INTU (inturned planar cell polarity protein; plus strand), LOC123480930 (P300/CBP strongly-dependent group 1 enhancer GRCh37_chr4:128629462-128630661; plus strand). Cytogenetic location: 4q28.1.
Variant type: single nucleotide variant.
Coding change: c.2357A>G on transcript NM_015693.4 (MANE Select); coding-DNA position 2357, A replaced by G.
Protein change: p.Tyr786Cys; replaces tyrosine 786 with cysteine.
Molecular consequence: missense variant.
Genome position (GRCh38, 1-based): chr4:127,708,656, A>G. VCF-style: chr4-127708656-A-G. GRCh37 (hg19) VCF-style: chr4-128629811-A-G.
Other names: short protein forms Y786C.
Identifiers: ClinVar variation 4701698 (VCV004701698.1).
Genomic context (GRCh38, chr4:127,708,656, plus strand): 5'-CAAATCCATTTCATTTGGGAAACTTGAAAAAGGACCTTCCAGAAAAAGAATTAGAAATAT[A>G]TAACACAGTGAAGTAAGAAACTTTCTTATTCTTGTTCACTTAAACTCAGGAAGTTTTACA-3'
Protein context (NP_056508.2, residues 776-796): KDLPEKELEI[Tyr786Cys]NTVKLTSGPE

ClinVar aggregate classification (germline): Uncertain significance (1 of 4 stars; one submission).

gnomAD v4.1: 10 of 1,536,702 alleles (0.00065%); highest among the groups gnomAD compares: South Asian, 0.0023%; no homozygotes.

Submission:

Labcorp Genetics (formerly Invitae), Labcorp
Classification: Uncertain significance. Last evaluated: 2025-11-12. Review status: criteria provided, single submitter. Criteria: Invitae Variant Classification Sherloc (09022015). Collection method: clinical testing. Allele origin: germline.
Comment: This sequence change replaces tyrosine, which is neutral and polar, with cysteine, which is neutral and slightly polar, at codon 786 of the INTU protein (p.Tyr786Cys). This variant is not present in population databases (gnomAD no frequency). This variant has not been reported in the literature in individuals affected with INTU-related conditions. Invitae Evidence Modeling of protein sequence and biophysical properties (such as structural, functional, and spatial information, amino acid conservation, physicochemical variation, residue mobility, and thermodynamic stability) indicates that this missense variant is not expected to disrupt INTU protein function with a negative predictive value of 80%. In summary, the available evidence is currently insufficient to determine the role of this variant in disease. Therefore, it has been classified as a Variant of Uncertain Significance.